The following is an entry in ClinVar:

ClinVar aggregate classification (germline): Likely benign. Review status: criteria provided, multiple submitters, no conflicts (2 of 4 stars). 2 submissions from 2 submitters: Likely benign (2). Last evaluated 2025-12-12.

Conditions:
OTOF-related disorder. Also called: OTOF-related condition.

gnomAD v4.1: 116 of 1,614,104 alleles (0.0072%); highest among the groups gnomAD compares: Non-Finnish European, 0.0088%; no homozygotes.

Submissions (2):

PreventionGenetics, part of Exact Sciences
Classification: Likely benign for OTOF-related condition. Last evaluated: 2025-12-12. Review status: criteria provided, single submitter. Criteria: ACMG Guidelines, 2015. Collection method: clinical testing. Allele origin: germline.
Comment: This variant is classified as likely benign based on ACMG/AMP sequence variant interpretation guidelines (Richards et al. 2015 PMID: 25741868, with internal and published modifications).

Labcorp Genetics (formerly Invitae), Labcorp
Classification: Likely benign. Last evaluated: 2025-12-01. Review status: criteria provided, single submitter. Criteria: Invitae Variant Classification Sherloc (09022015). Collection method: clinical testing. Allele origin: germline.

NM_194248.3(OTOF):c.4558C>A (p.Arg1520=)

Gene: OTOF (otoferlin; minus strand). Cytogenetic location: 2p23.3.
Variant type: single nucleotide variant.
Coding change: c.4558C>A on transcript NM_194248.3 (MANE Select); coding-DNA position 4558, C replaced by A.
Protein change: p.Arg1520=; no amino-acid change (arginine 1520 retained).
Molecular consequence: synonymous variant.
Genome position (GRCh38, 1-based): chr2:26,466,019, G>T on the plus strand (C>A on the coding strand, the complement: OTOF is on the minus strand). VCF-style: chr2-26466019-G-T. GRCh37 (hg19) VCF-style: chr2-26688887-G-T.
Other names: c.4558C>A, p.Arg1520= (NM_001287489.2); c.2257C>A, p.Arg753= (NM_004802.4, NM_194323.3); c.2488C>A, p.Arg830= (NM_194322.3); c.4558C>A (NM_194248.2).
Identifiers: ClinVar variation 2083177 (VCV002083177.5), dbSNP rs552370678, ClinGen allele CA1563112.